The following is an entry in ClinVar:

NM_000260.4(MYO7A):c.3987C>A (p.Tyr1329Ter)

Gene: MYO7A (myosin VIIA; plus strand). Cytogenetic location: 11q13.5.
Variant type: single nucleotide variant.
Coding change: c.3987C>A on transcript NM_000260.4 (MANE Select); coding-DNA position 3987, C replaced by A.
Protein change: p.Tyr1329Ter; replaces tyrosine 1329 with a stop codon.
Molecular consequence: nonsense.
Genome position (GRCh38, 1-based): chr11:77,192,113, C>A. VCF-style: chr11-77192113-C-A. GRCh37 (hg19) VCF-style: chr11-76903158-C-A.
Other names: c.3987C>A, p.Tyr1329Ter (NM_001127180.2); c.3954C>A, p.Tyr1318Ter (NM_001369365.1); short protein forms Y1318*, Y1329*.
Identifiers: ClinVar variation 4058158 (VCV004058158.3).

ClinVar aggregate classification (germline): Likely pathogenic. Review status: criteria provided, multiple submitters, no conflicts (2 of 4 stars). 2 submissions from 2 submitters: Likely pathogenic (2). Last evaluated 2025-04-03.

Conditions:
Usher syndrome type 1B (USH1B). Also called: Usher syndrome type IB. Identifiers: MedGen C1848638, MONDO:0700087.
MYO7A-related disorder. Also called: MYO7A-related disorders.

Submissions (2):

Natera, Inc.
Classification: Likely pathogenic for Usher syndrome type 1B. Last evaluated: 2025-04-03. Review status: criteria provided, single submitter. Criteria: Natera Variant Classification Schema (03/2026). Collection method: clinical testing. Allele origin: germline.
Comment: The c.3987C>A variant in MYO7A is a nonsense variant predicted to introduce a stop codon at amino acid 1329. This variant is expected to result in nonsense mediated decay, truncation, or a dysfunctional protein product. This variant is rare in the general population with a frequency below the threshold expected for the associated phenotype(s). Given the available evidence, this variant is classified as Likely Pathogenic.

Blueprint Genetics
Classification: Likely pathogenic for MYO7A-related disorders. Last evaluated: 2024-09-18. Review status: criteria provided, single submitter. Criteria: ACMG Guidelines, 2015. Collection method: clinical testing. Allele origin: germline. Affected: yes. Observed: 2 variant alleles.